The following is an entry in ClinVar:

NM_014629.4(ARHGEF10):c.810C>T (p.Pro270=)

Gene: ARHGEF10 (Rho guanine nucleotide exchange factor 10; plus strand). Cytogenetic location: 8p23.3.
Variant type: single nucleotide variant.
Coding change: c.810C>T on transcript NM_014629.4 (MANE Select); coding-DNA position 810, C replaced by T.
Protein change: p.Pro270=; no amino-acid change (proline 270 retained).
Molecular consequence: synonymous variant.
Genome position (GRCh38, 1-based): chr8:1,876,701, C>T. VCF-style: chr8-1876701-C-T. GRCh37 (hg19) VCF-style: chr8-1824867-C-T.
Other names: c.813C>T, p.Pro271= (NM_001308152.2, NM_001308153.3).
Identifiers: ClinVar variation 2658297 (VCV002658297.24), dbSNP rs1807735940, ClinGen allele CA459049837.

ClinVar aggregate classification (germline): Likely benign (1 of 4 stars; one submission).

Submission:

CeGaT Center for Human Genetics Tuebingen
Classification: Likely benign. Last evaluated: 2022-03-01. Review status: criteria provided, single submitter. Criteria: CeGaT Center For Human Genetics Tuebingen Variant Classification Criteria Version 2. Collection method: clinical testing. Allele origin: germline. Affected: yes. Observed: 1 variant allele.
Comment: ARHGEF10: PM2:Supporting, BP4, BP7